The following is an entry in ClinVar:

ClinVar aggregate classification (germline): Uncertain significance (1 of 4 stars; one submission).

Conditions:
Progressive myoclonic epilepsy type 9. Identifiers: Orphanet 457265, MedGen C4225289, MONDO:0014685, OMIM 616540.
Lipodystrophy, partial, acquired, susceptibility to (APLD). Also called: APLD, SUSCEPTIBILITY TO. Identifiers: MedGen C3887501, MONDO:0100476, OMIM 608709.

Submission:

Labcorp Genetics (formerly Invitae), Labcorp
Classification: Uncertain significance for Progressive myoclonic epilepsy type 9; Lipodystrophy, partial, acquired, susceptibility to. Last evaluated: 2022-08-30. Review status: criteria provided, single submitter. Criteria: Invitae Variant Classification Sherloc (09022015). Collection method: clinical testing. Allele origin: germline.
Comment: In summary, the available evidence is currently insufficient to determine the role of this variant in disease. Therefore, it has been classified as a Variant of Uncertain Significance. Experimental studies and prediction algorithms are not available or were not evaluated, and the functional significance of this variant is currently unknown. This variant has not been reported in the literature in individuals affected with LMNB2-related conditions. This variant is present in population databases (rs777407254, gnomAD 0.01%). This variant, c.1782_1784del, results in the deletion of 1 amino acid(s) of the LMNB2 protein (p.Glu595del), but otherwise preserves the integrity of the reading frame.

NM_032737.4(LMNB2):c.1776GGA[2] (p.Glu595del)

Gene: LMNB2 (lamin B2; minus strand). Cytogenetic location: 19p13.3.
Variant type: Microsatellite.
Coding change: c.1776GGA[2] on transcript NM_032737.4 (MANE Select); two copies in a row of the 3-base unit GGA starting at c.1776; the reference has three copies in a row; one copy, 3 bases deleted.
Protein change: p.Glu595del; deletes glutamic acid 595.
Molecular consequence: inframe deletion.
Genome position (GRCh38, 1-based): chr19:2,431,585-2,431,587, TCC deleted on the plus strand (GGA on the coding strand, the reverse complement: LMNB2 is on the minus strand); deleting any 3 consecutive bases within chr19:2,431,585-2,431,595 gives the same sequence; the position shown is the placement nearest the transcript's 3' end. VCF-style (leftmost placement, unchanged base first): chr19-2431584-TTCC-T. GRCh37 (hg19) VCF-style: chr19-2431582-TTCC-T.
Other names: short protein forms E595del.
Identifiers: ClinVar variation 1056437 (VCV001056437.9), dbSNP rs777407254, ClinGen allele CA9067303.